The following is an entry in ClinVar:

ClinVar aggregate classification (germline): Likely benign (1 of 4 stars; one submission).

Submission:

GeneDx
Classification: Likely benign. Last evaluated: 2018-05-18. Review status: criteria provided, single submitter. Criteria: GeneDx Variant Classification (06012015). Collection method: clinical testing. Allele origin: germline. Affected: yes.
Comment: This variant is considered likely benign or benign based on one or more of the following criteria: it is a conservative change, it occurs at a poorly conserved position in the protein, it is predicted to be benign by multiple in silico algorithms, and/or has population frequency not consistent with disease.

NM_007327.4(GRIN1):c.394-22_394-20delinsACT

Gene: GRIN1 (glutamate ionotropic receptor NMDA type subunit 1; plus strand). Cytogenetic location: 9q34.3.
Variant type: Indel.
Coding change: c.394-22_394-20delinsACT on transcript NM_007327.4 (MANE Select); 22 bases into the intron before coding-DNA position 394 through 20 bases into the intron before coding-DNA position 394, GCC replaced by ACT.
Molecular consequence: intron variant.
Genome position (GRCh38, 1-based): chr9:137,145,704-137,145,706, GCC replaced by ACT. VCF-style: chr9-137145704-GCC-ACT. GRCh37 (hg19) VCF-style: chr9-140040156-GCC-ACT.
Other names: c.394-22_394-20delinsACT (NM_001185090.2, NM_001185091.2, NM_021569.4 and 1 more transcripts).
Identifiers: ClinVar variation 668421 (VCV000668421.1), dbSNP rs1588694679, ClinGen allele CA915945827.